The following is an entry in ClinVar:

NM_000489.6(ATRX):c.3091G>A (p.Gly1031Ser)

Gene: ATRX (ATRX chromatin remodeler; minus strand). Cytogenetic location: Xq21.1.
Variant type: single nucleotide variant.
Coding change: c.3091G>A on transcript NM_000489.6 (MANE Select); coding-DNA position 3091, G replaced by A.
Protein change: p.Gly1031Ser; replaces glycine 1031 with serine.
Molecular consequence: missense variant.
Genome position (GRCh38, 1-based): chrX:77,682,165, C>T on the plus strand (G>A on the coding strand, the complement: ATRX is on the minus strand). VCF-style: chrX-77682165-C-T. GRCh37 (hg19) VCF-style: chrX-76937657-C-T.
Other names: p.Gly1031Ser; c.3091G>A (NM_000489.3); c.2977G>A, p.Gly993Ser (NM_138270.5); short protein forms G1031S, G993S.
Identifiers: ClinVar variation 199029 (VCV000199029.21), dbSNP rs782781078, ClinGen allele CA247998.

ClinVar aggregate classification (germline): Conflicting classifications of pathogenicity. Review status: criteria provided, conflicting classifications (1 of 4 stars). 7 submissions from 7 submitters: Uncertain significance (3); Benign (1); Likely benign (2). 1 of the submissions does not count toward it. Last evaluated 2026-01-17.

Conditions:
Inborn genetic diseases. Identifiers: MedGen C0950123, MeSH D030342.
Alpha thalassemia-X-linked intellectual disability syndrome (ATRX). Also called: ALPHA-THALASSEMIA/MENTAL RETARDATION SYNDROME, X-LINKED; ALPHA-THALASSEMIA/IMPAIRED INTELLECTUAL DEVELOPMENT SYNDROME, X-LINKED; X-linked alpha-thalassemia-mental retardation syndrome; ATR, NONDELETION TYPE; ATR-X syndrome; Alpha thalassemia mental retardation syndrome, nondeletion type, X-linked. Identifiers: Orphanet 847, MedGen C1845055, MONDO:0010519, OMIM 301040.
Intellectual disability. Also called: Intellectual functioning disability; intellectual disabilities; Intellectual developmental disorder. Identifiers: MedGen C3714756, MeSH D008607, MONDO:0001071, HP:0001249.

Allele frequency attached by ClinVar (database versions not stated): ExAC 0.00003; gnomAD 0.00004; gnomAD exomes 0.00005 and 0.00014; TOPMed 0.00006.
gnomAD v4.1: 159 of 1,208,537 alleles (0.013%); highest among the groups gnomAD compares: Non-Finnish European, 0.017%; no homozygotes.

Submissions (7):

Labcorp Genetics (formerly Invitae), Labcorp
Classification: Benign for Alpha thalassemia-X-linked intellectual disability syndrome. Last evaluated: 2026-01-17. Review status: criteria provided, single submitter. Criteria: Invitae Variant Classification Sherloc (09022015). Collection method: clinical testing. Allele origin: germline.

Mayo Clinic Laboratories, Mayo Clinic
Classification: Likely benign. Last evaluated: 2024-12-23. Review status: criteria provided, single submitter. Criteria: ACMG Guidelines, 2015. Collection method: clinical testing. Allele origin: germline. Observed: 2 variant alleles.
Comment: BS2, BP4_moderate

Ambry Genetics
Classification: Uncertain significance for Inborn genetic diseases. Last evaluated: 2021-02-24. Review status: criteria provided, single submitter. Criteria: Ambry Variant Classification Scheme 2023. Collection method: clinical testing. Allele origin: germline.

Cambridge Genomics Laboratory, East Genomic Laboratory Hub, NHS Genomic Medicine Service
Classification: Likely benign for Intellectual disability. Last evaluated: 2019-08-08. Review status: criteria provided, single submitter. Criteria: ACGS Best Practice Guidelines for Variant Classification in Rare Disease 2020. Collection method: clinical testing. Allele origin: germline. Affected: yes. Observed: 1 variant allele.

Eurofins Ntd Llc (ga)
Classification: Uncertain significance. Last evaluated: 2015-08-24. Review status: criteria provided, single submitter. Criteria: EGL Classification Definitions 2015. Collection method: clinical testing. Allele origin: germline. Observed: 1 variant allele, 1 heterozygote.

Center for Pediatric Genomic Medicine, Children's Mercy Hospital and Clinics
Classification: Uncertain significance. Last evaluated: 2015-07-14. Review status: criteria provided, single submitter. Criteria: ACMG Guidelines, 2015. Collection method: clinical testing. Allele origin: germline.
ClinVar note: Converted during submission from Uncertain Significance to Uncertain significance.

Natera, Inc.
Classification: Uncertain significance for X-linked alpha-thalassemia-mental retardation syndrome. Last evaluated: 2020-09-16. Review status: no assertion criteria provided. Collection method: clinical testing. Allele origin: germline. Not counted in ClinVar's aggregate classification.